The following is an entry in ClinVar:

ClinVar aggregate classification (germline): Uncertain significance (1 of 4 stars; one submission).

Allele frequency attached by ClinVar (database versions not stated): gnomAD exomes 0.00002; gnomAD 0.00001; ExAC 0.00002.
gnomAD v4.1: 29 of 1,612,922 alleles (0.0018%); highest among the groups gnomAD compares: Middle Eastern, 0.016%; no homozygotes.

Submission:

Labcorp Genetics (formerly Invitae), Labcorp
Classification: Uncertain significance. Last evaluated: 2025-12-01. Review status: criteria provided, single submitter. Criteria: Invitae Variant Classification Sherloc (09022015). Collection method: clinical testing. Allele origin: germline.
Comment: This sequence change replaces proline, which is neutral and non-polar, with alanine, which is neutral and non-polar, at codon 1380 of the NUP160 protein (p.Pro1380Ala). This variant is present in population databases (rs779427209, gnomAD 0.006%). This variant has not been reported in the literature in individuals affected with NUP160-related conditions. ClinVar contains an entry for this variant (Variation ID: 1953903). An algorithm developed to predict the effect of missense changes on protein structure and function (PolyPhen-2) suggests that this variant is likely to be tolerated. In summary, the available evidence is currently insufficient to determine the role of this variant in disease. Therefore, it has been classified as a Variant of Uncertain Significance.

NM_015231.3(NUP160):c.4036C>G (p.Pro1346Ala)

Gene: NUP160 (nucleoporin 160; minus strand). Cytogenetic location: 11p11.2.
Variant type: single nucleotide variant.
Coding change: c.4036C>G on transcript NM_015231.3 (MANE Select); coding-DNA position 4036, C replaced by G.
Protein change: p.Pro1346Ala; replaces proline 1346 with alanine.
Molecular consequence: missense variant. On other transcripts: non-coding transcript variant (1).
Genome position (GRCh38, 1-based): chr11:47,780,426, G>C on the plus strand (C>G on the coding strand, the complement: NUP160 is on the minus strand). VCF-style: chr11-47780426-G-C. GRCh37 (hg19) VCF-style: chr11-47801978-G-C.
Other names: short protein forms P1346A.
Identifiers: ClinVar variation 1953903 (VCV001953903.4), dbSNP rs779427209, ClinGen allele CA5980448.